The following is an entry in ClinVar:

NM_020366.4(RPGRIP1):c.392_410del (p.Val131fs)

Gene: RPGRIP1 (RPGR interacting protein 1; plus strand). Cytogenetic location: 14q11.2.
Variant type: Deletion.
Coding change: c.392_410del on transcript NM_020366.4 (MANE Select); coding-DNA positions 392 to 410, 19 bases deleted (TCGGCCCTGCCAGCCCCCG).
Protein change: p.Val131fs; shifts the reading frame from valine 131.
Molecular consequence: frameshift variant.
Genome position (GRCh38, 1-based): chr14:21,301,139-21,301,157, TCGGCCCTGCCAGCCCCCG deleted; deleting any 19 consecutive bases within chr14:21,301,137-21,301,157 gives the same sequence; the c. name uses the placement nearest the transcript's 3' end. VCF-style (leftmost placement, unchanged base first): chr14-21301136-GCGTCGGCCCTGCCAGCCCC-G. GRCh37 (hg19) VCF-style: chr14-21769295-GCGTCGGCCCTGCCAGCCCC-G.
Other names: short protein forms V131fs.
Identifiers: ClinVar variation 4782760 (VCV004782760.1).

ClinVar aggregate classification (germline): Pathogenic (1 of 4 stars; one submission).

Conditions:
Cone-rod dystrophy 13 (CORD13). Identifiers: Orphanet 1872, MedGen C2750720, MONDO:0011987, OMIM 608194.
Leber congenital amaurosis 6 (LCA6). Identifiers: Orphanet 65, MedGen C1854260, MONDO:0013446, OMIM 613826.

Submission:

Labcorp Genetics (formerly Invitae), Labcorp
Classification: Pathogenic for Leber congenital amaurosis 6; Cone-rod dystrophy 13. Last evaluated: 2025-11-18. Review status: criteria provided, single submitter. Criteria: Invitae Variant Classification Sherloc (09022015). Collection method: clinical testing. Allele origin: germline.
Comment: This sequence change creates a premature translational stop signal (p.Val131Alafs*33) in the RPGRIP1 gene. It is expected to result in an absent or disrupted protein product. Loss-of-function variants in RPGRIP1 are known to be pathogenic (PMID: 11528500, 23105016). This variant is present in population databases (rs762804365, gnomAD 0.02%). This variant has not been reported in the literature in individuals affected with RPGRIP1-related conditions. For these reasons, this variant has been classified as Pathogenic.

Literature cited by the submitters: PubMed 11528500; PubMed 23105016.